The following is an entry in ClinVar:

NM_000256.3(MYBPC3):c.655G>C (p.Val219Leu)

Gene: MYBPC3 (myosin binding protein C3; minus strand). Cytogenetic location: 11p11.2.
Variant type: single nucleotide variant.
Coding change: c.655G>C on transcript NM_000256.3 (MANE Select); coding-DNA position 655, G replaced by C.
Protein change: p.Val219Leu; replaces valine 219 with leucine.
Molecular consequence: missense variant.
Genome position (GRCh38, 1-based): chr11:47,348,541, C>G on the plus strand (G>C on the coding strand, the complement: MYBPC3 is on the minus strand). VCF-style: chr11-47348541-C-G. GRCh37 (hg19) VCF-style: chr11-47370092-C-G.
Other names: p.V219L:GTC>CTC; short protein forms V219L.
Identifiers: ClinVar variation 42784 (VCV000042784.48), dbSNP rs397516068, ClinGen allele CA015670.

ClinVar aggregate classification (germline): Pathogenic/Likely pathogenic. Review status: criteria provided, multiple submitters, no conflicts (2 of 4 stars). 18 submissions from 17 submitters: Pathogenic (14); Likely pathogenic (2). 2 of the submissions do not count toward it. Last evaluated 2026-01-27.

Conditions:
Cardiovascular phenotype. Identifiers: MedGen CN230736.
MYBPC3-related disorder. Also called: MYBPC3-related disorders; MYBPC3-related condition; MYBPC3-related disease.
Hypertrophic cardiomyopathy 4. Also called: Familial hypertrophic cardiomyopathy 4. Identifiers: MedGen C1861862, MONDO:0007268, OMIM 115197.
Left ventricular noncompaction 10 (LVNC10). Identifiers: Orphanet 154, Orphanet 54260, MedGen C3715165, MONDO:0014163, OMIM 615396.
Cardiomyopathy (CMYO). Also called: Cardiomyopathies. Identifiers: Orphanet 167848, MedGen C0878544, MONDO:0004994, HP:0001638. Inheritance: Various modes of inheritance.
Primary familial hypertrophic cardiomyopathy (HCM). Identifiers: Orphanet 99739, MedGen C0949658, MeSH D024741, MONDO:0024573. Inheritance: Various modes of inheritance.
Asymmetric septal hypertrophy. Identifiers: MedGen C0205700, HP:0001670.
Hypertrophic cardiomyopathy. Also called: HYPERTROPHIC MYOCARDIOPATHY. Identifiers: Orphanet 217569, MedGen C0007194, MeSH D002312, MONDO:0005045, HP:0001639.

Allele frequency attached by ClinVar (database versions not stated): gnomAD exomes 0.00002.
gnomAD v4.1: 25 of 1,610,466 alleles (0.0016%); highest among the groups gnomAD compares: Non-Finnish European, 0.0021%; no homozygotes.

Submissions 1 to 9 of 18:

Labcorp Genetics (formerly Invitae), Labcorp
Classification: Pathogenic for Hypertrophic cardiomyopathy. Last evaluated: 2026-01-27. Review status: criteria provided, single submitter. Criteria: Invitae Variant Classification Sherloc (09022015). Collection method: clinical testing. Allele origin: germline.
Comment: This sequence change replaces valine, which is neutral and non-polar, with leucine, which is neutral and non-polar, at codon 219 of the MYBPC3 protein (p.Val219Leu). This variant is not present in population databases (gnomAD no frequency). This missense change has been observed in individuals with hypertrophic cardiomyopathy (PMID: 15519027, 20031602, 20031618, 20624503, 26914223). ClinVar contains an entry for this variant (Variation ID: 42784). An algorithm developed to predict the effect of missense changes on protein structure and function (PolyPhen-2) suggests that this variant is likely to be disruptive. Studies have shown that this missense change alters mRNA splicing and is expected to lead to the loss of protein expression (Crehalet 2012; DOI 10.4081/cardiogenetics.2012.e6). For these reasons, this variant has been classified as Pathogenic.

Molecular Diagnostic Laboratory for Inherited Cardiovascular Disease, Montreal Heart Institute
Classification: Pathogenic for Cardiovascular phenotype. Last evaluated: 2026-01-12. Review status: criteria provided, single submitter. Criteria: ACMG Guidelines, 2015. Collection method: clinical testing. Allele origin: germline. Affected: yes.

GeneDx
Classification: Pathogenic. Last evaluated: 2025-09-17. Review status: criteria provided, single submitter. Criteria: GeneDx Variant Classification Process June 2021. Collection method: clinical testing. Allele origin: germline. Affected: yes.
Comment: Identified in a patient with HCM and fasciculoventricular bypass tract (FVBT) in published literature (PMID: 35199016); RNA studies demonstrate a damaging effect as a majority of reads result in no splicing occurring (PMID: 34461741); In silico analysis indicates that this missense variant does not alter protein structure/function; Not observed at significant frequency in large population cohorts (gnomAD); This variant is associated with the following publications: (PMID: 21415409, 23782526, 27532257, 15519027, 23074333, 24510615, 23690394, 23396983, 20031602, 26914223, 20031618, 20624503, 29540445, 22589294, 25351510, 28790153, 31199839, 34400558, 35208637, 30645170, 33190526, 28679633, 28087566, 34758253, 34363016, 36264615, 36136372, 36252119, 36243179, 35199016, 37652022, Crehalet2012[FunctionalStudy], 34461741)

Color Diagnostics, LLC DBA Color Health
Classification: Pathogenic for Cardiomyopathy. Last evaluated: 2025-06-04. Review status: criteria provided, single submitter. Criteria: ACMG Guidelines, 2015. Collection method: clinical testing. Allele origin: germline.
Comment: This missense variant replaces valine with leucine at codon 219 in the Ig-like domain C1 of the MYBPC3 protein. Computational prediction tool is inconclusive regarding the impact of this variant on protein structure and function. Splice site prediction tools suggest that this variant may impact RNA splicing. In-vitro functional mini-gene assays have shown that this variant is expected to cause skipping of exon 6this 118 base pair deletion is expected to create a frameshift and premature translation stop signal, expected to result in an absent or non-functional protein product (PMID: 28679633DOI:10.4081/cardiogenetics.2012.e6). A functional study using induced pluripotent stem cells derived from an individual affected with hypertrophic cardiomyopathy has shown that this variant causes elevated diastolic calcium and increased myofilament calcium sensitivity (PMID: 31219556). This variant has been reported in over 20 individuals affected with hypertrophic cardiomyopathy (PMID: 15519027, 20031602, 20031618, 23396983, 23690394, 23782526, 26914223, 27532257, 28087566, 28790153, 30645170, 31199839, 35199016). It has been shown that this variant segregates with disease in multiple affected individuals across two families (PMID: 28790153, 35199016). This variant has not been identified in the general population by the Genome Aggregation Database (gnomAD). A different variant affecting the same codon, p.Val219Phe, is considered to be disease-causing (ClinVar variation ID: 188531), suggesting that valine at this position is important for MYBPC3 protein function. Loss of MYBPC3 function is a known mechanism of disease. Based on the available evidence, this variant is classified as Pathogenic.

Ambry Genetics
Classification: Pathogenic for Cardiovascular phenotype. Last evaluated: 2025-05-13. Review status: criteria provided, single submitter. Criteria: Ambry Variant Classification Scheme 2023. Collection method: clinical testing. Allele origin: germline.
Comment: The c.655G>C pathogenic mutation (also known as p.V219L) is located in coding exon 6 of the MYBPC3 gene. This variant results from a G to C substitution at nucleotide position 655. The valine at codon 219 is replaced by leucine, an amino acid with highly similar properties. This change occurs in the first base pair of coding exon 6. This variant was reported in individual(s) with features consistent with hypertrophic cardiomyopathy (HCM) (Van Driest SL et al. J. Am. Coll. Cardiol. 2004;44:1903-10; Kapplinger JD et al. J Cardiovasc Transl Res. 2014;7:347-61; Lopes LR et al. J. Med. Genet. 2013;50:228-39; Walsh R et al. Genet. Med. 2017;19:192-203). In an in vitro minigene assay, this alteration caused complete skipping of exon 6, which is expected to lead to a frameshift and introduce an alternate stop (p.V219Rfs*42) (Crehalet H et al. Cardiogenetics. 2012;2:e6; Ito K et al. Proc. Natl. Acad. Sci. U.S.A., 2017 07;114:7689-7694). Another variant impacting the same nucleotide (c.655G>T), also reported to cause skipping of exon 6, has also been associated with HCM (Millat G et al. Eur J Med Genet. 2010;53:261-7; Crehalet H et al. Cardiogenetics. 2012;2:e6). This variant is considered to be rare based on population cohorts in the Genome Aggregation Database (gnomAD). Based on the supporting evidence, this alteration is interpreted as a disease-causing mutation.

Victorian Clinical Genetics Services, Murdoch Childrens Research Institute
Classification: Pathogenic for Hypertrophic cardiomyopathy 4. Last evaluated: 2025-04-30. Review status: criteria provided, single submitter. Criteria: ACMG Guidelines, 2015. Collection method: clinical testing. Allele origin: germline. Affected: yes.
Comment: This variant is classified as Pathogenic. Evidence in support of pathogenic classification: Splice site variant proven to affect splicing of the transcript with uncertain effect on protein sequence. This variant has been functionally proven to cause skipping of exon 6, which is an out-of-frame exon. The protein consequence is unknown; however, a frameshift and nonsense-mediated decay (NMD) is expected (ClinVar, Crehalet, H. et al. (2012)); Variant is absent from gnomAD (both v2 and v3); This variant has strong previous evidence of pathogenicity in unrelated individuals. This variant has been reported multiple times as pathogenic in patients with hypertrophic cardiomyopathy (ClinVar, PMID: 28087566); Another splice variant comparable to the one identified in this case has limited previous evidence for pathogenicity. c.655G>T; p.(Val219Phe) has been reported as pathogenic (ClinVar), and has also been functionally proven to result in exon 6 skipping (Crehalet, H. et al. (2012)). Additional information: This variant is heterozygous; This gene is associated with both recessive and dominant disease. Dominant inheritance is frequently reported in adult onset conditions, however recessive inheritance results in a more severe early onset phenotype (OMIM); An alternative nucleotide change at the same splice site is present in gnomAD (v2 and v3) (2 heterozygotes, 0 homozygotes); Loss of function is a known mechanism of disease in this gene and is associated with hypertrophic cardiomyopathy 4 (HCM; MIM#115197); Variants in this gene are known to have variable expressivity (PMID: 32841044); Inheritance information for this variant is not currently available in this individual.

Blueprint Genetics
Classification: Pathogenic for MYBPC3-related disorders. Last evaluated: 2024-11-11. Review status: criteria provided, single submitter. Criteria: ACMG Guidelines, 2015. Collection method: clinical testing. Allele origin: germline. Affected: yes. Observed: 5 variant alleles.

Baylor Genetics
Classification: Pathogenic for Left ventricular noncompaction 10. Last evaluated: 2024-01-10. Review status: criteria provided, single submitter. Criteria: ACMG Guidelines, 2015. Collection method: clinical testing. Allele origin: unknown.

Baylor Genetics
Classification: Pathogenic for Hypertrophic cardiomyopathy 4. Last evaluated: 2024-01-10. Review status: criteria provided, single submitter. Criteria: ACMG Guidelines, 2015. Collection method: clinical testing. Allele origin: unknown.